The following is an entry in ClinVar:

ClinVar aggregate classification (germline): Uncertain significance. Review status: criteria provided, multiple submitters, no conflicts (2 of 4 stars). 2 submissions from 2 submitters: Uncertain significance (2). Last evaluated 2025-08-20.

Conditions:
Inborn genetic diseases. Identifiers: MedGen C0950123, MeSH D030342.

Allele frequency attached by ClinVar (database versions not stated): gnomAD exomes 0.00001.
gnomAD v4.1: 7 of 1,367,852 alleles (0.00051%); highest among the groups gnomAD compares: Non-Finnish European, 0.00068%; no homozygotes.

Submissions (2):

Ambry Genetics
Classification: Uncertain significance for Inborn genetic diseases. Last evaluated: 2025-08-20. Review status: criteria provided, single submitter. Criteria: Ambry Variant Classification Scheme 2023. Collection method: clinical testing. Allele origin: germline.

CeGaT Center for Human Genetics Tuebingen
Classification: Uncertain significance. Last evaluated: 2024-06-01. Review status: criteria provided, single submitter. Criteria: CeGaT Center For Human Genetics Tuebingen Variant Classification Criteria Version 2. Collection method: clinical testing. Allele origin: germline. Affected: yes. Observed: 1 variant allele.
Comment: ATP11A: PM2, BP4

NM_015205.3(ATP11A):c.*113C>T

Gene: ATP11A (ATPase phospholipid transporting 11A; plus strand). Cytogenetic location: 13q34.
Variant type: single nucleotide variant.
Coding change: c.*113C>T on transcript NM_015205.3 (MANE Select); 113 bases downstream of the stop codon, C replaced by T.
Molecular consequence: 3 prime UTR variant. On other transcripts: missense variant (3).
Genome position (GRCh38, 1-based): chr13:112,881,979, C>T. VCF-style: chr13-112881979-C-T. GRCh37 (hg19) VCF-style: chr13-113536293-C-T.
Other names: c.3494C>T, p.Pro1165Leu (NM_001405661.1); c.3431C>T, p.Pro1144Leu (NM_001405662.1); c.*115C>T (NM_001405663.1); c.3491C>T, p.Pro1164Leu (NM_032189.4); c.3491C>T (NM_032189.3); short protein forms P1144L, P1164L, P1165L.
Identifiers: ClinVar variation 3250653 (VCV003250653.19), dbSNP rs1293403349.
Genomic context (GRCh38, chr13:112,881,979, plus strand): 5'-GCTCCCACTCTCAGCAGGTGACACTCGCGGCCTGGAAGGAGAAGGTGTCCACGGAGCCCC[C>T]ACCCATCCTCGGCGGTTCCCATCACCACTGCAGTTCCATCCCAAGTCACAGCTGCCCTAG-3'